The following is an entry in ClinVar:

ClinVar aggregate classification (germline): Uncertain significance. Review status: criteria provided, multiple submitters, no conflicts (2 of 4 stars). 3 submissions from 3 submitters: Uncertain significance (3). Last evaluated 2025-10-23.

Allele frequency attached by ClinVar (database versions not stated): gnomAD 0.00013.
gnomAD v4.1: 51 of 1,485,760 alleles (0.0034%); highest among the groups gnomAD compares: African/African-American, 0.06%; no homozygotes.

Submissions (3):

Women's Health and Genetics/Laboratory Corporation of America, LabCorp
Classification: Uncertain significance. Last evaluated: 2025-10-23. Review status: criteria provided, single submitter. Criteria: LabCorp Variant Classification Summary - May 2015. Collection method: clinical testing. Allele origin: germline.
Comment: Variant summary: POLRMT c.2276G>A (p.Arg759His) results in a non-conservative amino acid change in the encoded protein sequence. Algorithms developed to predict the effect of missense changes on protein structure and function are either unavailable or do not agree on the potential impact of this missense change. The variant allele was found at a frequency of 2.1e-05 in 95318 control chromosomes. The available data on variant occurrences in the general population are insufficient to allow any conclusion about variant significance. To our knowledge, no occurrence of c.2276G>A in individuals affected with POLRMT-related conditions and no experimental evidence demonstrating its impact on protein function have been reported. ClinVar contains an entry for this variant (Variation ID: 2081045). Based on the evidence outlined above, the variant was classified as uncertain significance.

Ambry Genetics
Classification: Uncertain significance. Last evaluated: 2024-06-10. Review status: criteria provided, single submitter. Criteria: Ambry Variant Classification Scheme 2023. Collection method: clinical testing. Allele origin: germline.

Labcorp Genetics (formerly Invitae), Labcorp
Classification: Uncertain significance. Last evaluated: 2022-07-25. Review status: criteria provided, single submitter. Criteria: Invitae Variant Classification Sherloc (09022015). Collection method: clinical testing. Allele origin: germline.
Comment: This sequence change replaces arginine, which is basic and polar, with histidine, which is basic and polar, at codon 759 of the POLRMT protein (p.Arg759His). This variant is present in population databases (rs61743194, gnomAD 0.09%). This variant has not been reported in the literature in individuals affected with POLRMT-related conditions. Algorithms developed to predict the effect of missense changes on protein structure and function (SIFT, PolyPhen-2, Align-GVGD) all suggest that this variant is likely to be tolerated. In summary, the available evidence is currently insufficient to determine the role of this variant in disease. Therefore, it has been classified as a Variant of Uncertain Significance.

NM_005035.4(POLRMT):c.2276G>A (p.Arg759His)

Gene: POLRMT (RNA polymerase mitochondrial; minus strand). Cytogenetic location: 19p13.3.
Variant type: single nucleotide variant.
Coding change: c.2276G>A on transcript NM_005035.4 (MANE Select); coding-DNA position 2276, G replaced by A.
Protein change: p.Arg759His; replaces arginine 759 with histidine.
Molecular consequence: missense variant.
Genome position (GRCh38, 1-based): chr19:621,422, C>T on the plus strand (G>A on the coding strand, the complement: POLRMT is on the minus strand). VCF-style: chr19-621422-C-T. GRCh37 (hg19) VCF-style: chr19-621422-C-T.
Other names: c.2276G>A, p.Arg759His (NM_001407805.1, NM_001407808.1, NM_001407812.1 and 4 more transcripts); c.2267G>A, p.Arg756His (NM_001407806.1, NM_001407809.1); c.2264G>A, p.Arg755His (NM_001407807.1, NM_001407810.1); c.2234G>A, p.Arg745His (NM_001407811.1, NM_001407813.1); c.2051G>A, p.Arg684His (NM_001407830.1, NM_001407832.1); c.1952G>A, p.Arg651His (NM_001407831.1, NM_001407833.1, NM_001407835.1 and 1 more transcripts); c.1943G>A, p.Arg648His (NM_001407834.1); c.2276G>A (NM_005035.3); short protein forms R648H, R745H, R651H, R755H, R756H, R759H, R684H.
Identifiers: ClinVar variation 2081045 (VCV002081045.6), dbSNP rs61743194, ClinGen allele CA303941821.
Genomic context (GRCh38, chr19:621,422, plus strand): 5'-GCCTCCGCCCGCAGGCTGTGCATCTCCCGGGCCACCTTCTGGCAGTGCGCCAGCTCACGG[C>T]GCAGCTCGGCCTTGCGGGCGGGCGCGGCGCTGTGCGGCAGGTGGGCCTCGGGCGGCTGGG-3'
Protein context (NP_005026.3, residues 749-769): SAAPARKAEL[Arg759His]RELAHCQKVA